The following is an entry in ClinVar:

NM_000360.4(TH):c.1349G>A (p.Arg450His)

Gene: TH (tyrosine hydroxylase; minus strand). Cytogenetic location: 11p15.5.
Variant type: single nucleotide variant.
Coding change: c.1349G>A on transcript NM_000360.4 (MANE Select); coding-DNA position 1349, G replaced by A.
Protein change: p.Arg450His; replaces arginine 450 with histidine.
Molecular consequence: missense variant.
Genome position (GRCh38, 1-based): chr11:2,164,378, C>T on the plus strand (G>A on the coding strand, the complement: TH is on the minus strand). VCF-style: chr11-2164378-C-T. GRCh37 (hg19) VCF-style: chr11-2185608-C-T.
Other names: c.1442G>A, p.Arg481His (NM_199292.3); c.1430G>A, p.Arg477His (NM_199293.3); short protein forms R450H, R481H, R477H.
Identifiers: ClinVar variation 644442 (VCV000644442.4), dbSNP rs138291013, ClinGen allele CA5818266.

ClinVar aggregate classification (germline): Uncertain significance. Review status: criteria provided, single submitter (1 of 4 stars). 2 submissions from 2 submitters: Uncertain significance (1). 1 of the submissions does not count toward it. Last evaluated 2021-11-02.

Conditions:
TH-deficient dopa-responsive dystonia. Also called: Tyrosine Hydroxylase-Deficient Dopa-Responsive Dystonia; DYT-TH; Segawa syndrome, autosomal recessive. Identifiers: Orphanet 101150, MedGen C2673535, MONDO:0011551, OMIM 605407.

Allele frequency attached by ClinVar (database versions not stated): ExAC 0.00005; gnomAD exomes 0.00006; gnomAD 0.00023 and 0.00021; TOPMed 0.00035; ESP Exome Variant Server 0.00023.
gnomAD v4.1: 95 of 1,548,722 alleles (0.0061%); highest among the groups gnomAD compares: Admixed American, 0.069%; 1 homozygote.

Submissions (2):

Labcorp Genetics (formerly Invitae), Labcorp
Classification: Uncertain significance for TH-deficient dopa-responsive dystonia. Last evaluated: 2021-11-02. Review status: criteria provided, single submitter. Criteria: Invitae Variant Classification Sherloc (09022015). Collection method: clinical testing. Allele origin: germline.
Comment: This sequence change replaces arginine, which is basic and polar, with histidine, which is basic and polar, at codon 481 of the TH protein (p.Arg481His). The frequency data for this variant in the population databases is considered unreliable, as metrics indicate poor data quality at this position in the gnomAD database. This variant has not been reported in the literature in individuals affected with TH-related conditions. ClinVar contains an entry for this variant (Variation ID: 644442). Advanced modeling of protein sequence and biophysical properties (such as structural, functional, and spatial information, amino acid conservation, physicochemical variation, residue mobility, and thermodynamic stability) performed at Invitae indicates that this missense variant is not expected to disrupt TH protein function. In summary, the available evidence is currently insufficient to determine the role of this variant in disease. Therefore, it has been classified as a Variant of Uncertain Significance.

Natera, Inc.
Classification: Uncertain significance for Autosomal recessive Segawa syndrome. Last evaluated: 2020-03-11. Review status: no assertion criteria provided. Collection method: clinical testing. Allele origin: germline. Not counted in ClinVar's aggregate classification.